The following is an entry in ClinVar:

ClinVar aggregate classification (germline): Uncertain significance. Review status: criteria provided, multiple submitters, no conflicts (2 of 4 stars). 7 submissions from 7 submitters: Uncertain significance (7). Last evaluated 2026-09-11.

Conditions:
Biotin-responsive basal ganglia disease (BTBGD). Also called: Thiamine metabolism dysfunction syndrome type 2; Thiamine Transporter-2 Deficiency; Thiamine metabolism dysfunction syndrome 2 (biotin- or thiamine-responsive encephalopathy type 2); thiamine-responsive encephalopathy; THIAMINE METABOLISM DYSFUNCTION SYNDROME 2 (BIOTIN- AND THIAMINE-RESPONSIVE TYPE). Identifiers: Orphanet 199348, Orphanet 65284, MedGen C1843807, MONDO:0011841, OMIM 607483.
Inborn genetic diseases. Identifiers: MedGen C0950123, MeSH D030342.

Allele frequency attached by ClinVar (database versions not stated): ExAC 0.00003; gnomAD exomes 0.00006; gnomAD 0.00015 and 0.00016; TOPMed 0.00022.
gnomAD v4.1: 65 of 1,612,890 alleles (0.004%); highest among the groups gnomAD compares: Middle Eastern, 0.087%; no homozygotes.

Submissions (7):

GeneDx
Classification: Uncertain significance. Last evaluated: 2026-09-11. Review status: criteria provided, single submitter. Criteria: GeneDx Variant Classification Process June 2021. Collection method: clinical testing. Allele origin: germline.
Comment: In silico analysis suggests that this missense variant does not alter protein structure/function; Has not been previously published as pathogenic or benign to our knowledge

Labcorp Genetics (formerly Invitae), Labcorp
Classification: Uncertain significance for Biotin-responsive basal ganglia disease. Last evaluated: 2026-01-20. Review status: criteria provided, single submitter. Criteria: Invitae Variant Classification Sherloc (09022015). Collection method: clinical testing. Allele origin: germline.
Comment: This sequence change replaces glycine, which is neutral and non-polar, with valine, which is neutral and non-polar, at codon 326 of the SLC19A3 protein (p.Gly326Val). This variant is present in population databases (rs747823282, gnomAD 0.03%). This variant has not been reported in the literature in individuals affected with SLC19A3-related conditions. ClinVar contains an entry for this variant (Variation ID: 334879). Invitae Evidence Modeling of protein sequence and biophysical properties (such as structural, functional, and spatial information, amino acid conservation, physicochemical variation, residue mobility, and thermodynamic stability) indicates that this missense variant is not expected to disrupt SLC19A3 protein function with a negative predictive value of 95%. In summary, the available evidence is currently insufficient to determine the role of this variant in disease. Therefore, it has been classified as a Variant of Uncertain Significance.

Blueprint Genetics
Classification: Uncertain significance. Last evaluated: 2023-06-26. Review status: criteria provided, single submitter. Criteria: ACMG Guidelines, 2015. Collection method: clinical testing. Allele origin: germline.

Baylor Genetics
Classification: Uncertain significance for Biotin-responsive basal ganglia disease. Last evaluated: 2022-01-10. Review status: criteria provided, single submitter. Criteria: ACMG Guidelines, 2015. Collection method: clinical testing. Allele origin: unknown.

Ambry Genetics
Classification: Uncertain significance for Inborn genetic diseases. Last evaluated: 2021-11-12. Review status: criteria provided, single submitter. Criteria: Ambry Variant Classification Scheme 2023. Collection method: clinical testing. Allele origin: germline.

Fulgent Genetics
Classification: Uncertain significance for Biotin-responsive basal ganglia disease. Last evaluated: 2018-10-31. Review status: criteria provided, single submitter. Criteria: ACMG Guidelines, 2015. Collection method: clinical testing. Allele origin: unknown.

Illumina Laboratory Services, Illumina
Classification: Uncertain significance for Biotin-responsive basal ganglia disease. Last evaluated: 2018-01-12. Review status: criteria provided, single submitter. Criteria: ICSL Variant Classification Criteria 13 December 2019. Collection method: clinical testing. Allele origin: germline.

NM_025243.4(SLC19A3):c.977G>T (p.Gly326Val)

Gene: SLC19A3 (solute carrier family 19 member 3; minus strand). Cytogenetic location: 2q36.3.
Variant type: single nucleotide variant.
Coding change: c.977G>T on transcript NM_025243.4 (MANE Select); coding-DNA position 977, G replaced by T.
Protein change: p.Gly326Val; replaces glycine 326 with valine.
Molecular consequence: missense variant.
Genome position (GRCh38, 1-based): chr2:227,698,738, C>A on the plus strand (G>T on the coding strand, the complement: SLC19A3 is on the minus strand). VCF-style: chr2-227698738-C-A. GRCh37 (hg19) VCF-style: chr2-228563454-C-A.
Other names: short protein forms G326V.
Identifiers: ClinVar variation 334879 (VCV000334879.19), dbSNP rs747823282, ClinGen allele CA2149207.